The following is an entry in ClinVar:

ClinVar aggregate classification (germline): Uncertain significance (1 of 4 stars; one submission).

Submission:

Labcorp Genetics (formerly Invitae), Labcorp
Classification: Uncertain significance. Last evaluated: 2022-05-05. Review status: criteria provided, single submitter. Criteria: Invitae Variant Classification Sherloc (09022015). Collection method: clinical testing. Allele origin: germline.
Comment: This sequence change replaces arginine, which is basic and polar, with glycine, which is neutral and non-polar, at codon 257 of the PRDM5 protein (p.Arg257Gly). This variant is not present in population databases (gnomAD no frequency). This variant has not been reported in the literature in individuals affected with PRDM5-related conditions. Algorithms developed to predict the effect of missense changes on protein structure and function are either unavailable or do not agree on the potential impact of this missense change (SIFT: "Deleterious"; PolyPhen-2: "Benign"; Align-GVGD: "Class C45"). Algorithms developed to predict the effect of sequence changes on RNA splicing suggest that this variant may disrupt the consensus splice site. In summary, the available evidence is currently insufficient to determine the role of this variant in disease. Therefore, it has been classified as a Variant of Uncertain Significance.

NM_018699.4(PRDM5):c.769C>G (p.Arg257Gly)

Gene: PRDM5 (PR/SET domain 5; minus strand). Cytogenetic location: 4q27.
Variant type: single nucleotide variant.
Coding change: c.769C>G on transcript NM_018699.4 (MANE Select); coding-DNA position 769, C replaced by G.
Protein change: p.Arg257Gly; replaces arginine 257 with glycine.
Molecular consequence: missense variant.
Genome position (GRCh38, 1-based): chr4:120,816,549, G>C on the plus strand (C>G on the coding strand, the complement: PRDM5 is on the minus strand). VCF-style: chr4-120816549-G-C. GRCh37 (hg19) VCF-style: chr4-121737704-G-C.
Other names: c.676C>G, p.Arg226Gly (NM_001300823.2, NM_001300824.2, NM_001379106.1); c.769C>G, p.Arg257Gly (NM_001379104.1); short protein forms R226G, R257G.
Identifiers: ClinVar variation 1958897 (VCV001958897.2), dbSNP rs190835070, ClinGen allele CA358207582.
Genomic context (GRCh38, chr4:120,816,549, plus strand): 5'-CCTTGCTCTTCAGCCTCTTTCCACAGCTGTCAGCCTTGCACACAAACCTGGCATCCCCCC[G>C]GCAAGTCTCCTGGTGCTGCTCAAAACTACAAGACAACCAGCAAAGCGGAACAGGAAGAAA-3'
Protein context (NP_061169.2, residues 247-267): SSFEQHQETC[Arg257Gly]GDARFVCKAD